The following is an entry in ClinVar:

ClinVar aggregate classification (germline): Conflicting classifications of pathogenicity. Review status: criteria provided, conflicting classifications (1 of 4 stars). 4 submissions from 4 submitters: Likely pathogenic (1); Uncertain significance (3). Last evaluated 2025-02-03.

Conditions:
Fanconi anemia complementation group O. Also called: RAD51C-Related Fanconi Anemia. Identifiers: Orphanet 84, MedGen C3150653, MONDO:0013248, OMIM 613390.
Hereditary cancer-predisposing syndrome. Also called: Hereditary neoplastic syndrome; Neoplastic Syndromes, Hereditary; Tumor predisposition; Hereditary Cancer Syndrome. Identifiers: Orphanet 140162, MedGen C0027672, MeSH D009386, MONDO:0015356.
Breast-ovarian cancer, familial, susceptibility to, 3. Also called: RAD51C-Related Breast/Ovarian Cancer. Identifiers: Orphanet 145, MedGen C3150659, MONDO:0013253, OMIM 613399.

gnomAD v4.1: 1 of 1,604,900 alleles (0.000062%); highest among the groups gnomAD compares: South Asian, 0.0011%; no homozygotes.

Submissions (4):

Labcorp Genetics (formerly Invitae), Labcorp
Classification: Uncertain significance for Fanconi anemia complementation group O. Last evaluated: 2025-02-03. Review status: criteria provided, single submitter. Criteria: Invitae Variant Classification Sherloc (09022015). Collection method: clinical testing. Allele origin: germline.
Comment: This sequence change replaces arginine, which is basic and polar, with proline, which is neutral and non-polar, at codon 237 of the RAD51C protein (p.Arg237Pro). This variant is present in population databases (rs370393672, gnomAD 0.003%). This variant has not been reported in the literature in individuals affected with RAD51C-related conditions. ClinVar contains an entry for this variant (Variation ID: 482163). Invitae Evidence Modeling of protein sequence and biophysical properties (such as structural, functional, and spatial information, amino acid conservation, physicochemical variation, residue mobility, and thermodynamic stability) indicates that this missense variant is expected to disrupt RAD51C protein function with a positive predictive value of 80%. Experimental studies have shown that this missense change affects RAD51C function (PMID: 37253112). In summary, the available evidence is currently insufficient to determine the role of this variant in disease. Therefore, it has been classified as a Variant of Uncertain Significance.

Myriad Genetics, Inc.
Classification: Likely pathogenic for Breast-ovarian cancer, familial, susceptibility to, 3. Last evaluated: 2024-11-25. Review status: criteria provided, single submitter. Criteria: Myriad Autosomal Dominant, Autosomal Recessive and X-Linked Classification Criteria (2023). Collection method: clinical testing. Allele origin: unknown.
Comment: This variant is considered likely pathogenic. Functional studies indicate this variant impacts protein function [PMID: 39299233, 37253112]. This variant is expected to disrupt protein structure [Myriad internal data].

Ambry Genetics
Classification: Uncertain significance for Hereditary cancer-predisposing syndrome. Last evaluated: 2024-01-10. Review status: criteria provided, single submitter. Criteria: Ambry Variant Classification Scheme 2023. Collection method: clinical testing. Allele origin: germline.
Comment: The p.R237P variant (also known as c.710G>C), located in coding exon 5 of the RAD51C gene, results from a G to C substitution at nucleotide position 710. The arginine at codon 237 is replaced by proline, an amino acid with dissimilar properties. In multiple assays testing RAD51C function, this alteration showed an abnormal read-out (Hu C et al. Cancer Res, 2023 Aug;83:2557-2571). This amino acid position is not well conserved in available vertebrate species. In addition, this alteration is predicted to be deleterious by in silico analysis. Since supporting evidence is limited at this time, the clinical significance of this alteration remains unclear.

GeneDx
Classification: Uncertain significance. Last evaluated: 2020-07-08. Review status: criteria provided, single submitter. Criteria: GeneDx Variant Classification Process June 2021. Collection method: clinical testing. Allele origin: germline. Affected: yes.
Comment: Not observed at a significant frequency in large population cohorts (Lek 2016); In silico analysis supports that this missense variant has a deleterious effect on protein structure/function; Has not been previously published as pathogenic or benign to our knowledge

Literature cited by the submitters: PubMed 37253112 (cited by 3 submitters); PubMed 39299233 (cited by Myriad Genetics, Inc.).

NM_058216.3(RAD51C):c.710G>C (p.Arg237Pro)

Gene: RAD51C (RAD51 paralog C; plus strand). Cytogenetic location: 17q22.
Variant type: single nucleotide variant.
Coding change: c.710G>C on transcript NM_058216.3 (MANE Select); coding-DNA position 710, G replaced by C.
Protein change: p.Arg237Pro; replaces arginine 237 with proline.
Molecular consequence: missense variant. On other transcripts: non-coding transcript variant (1).
Genome position (GRCh38, 1-based): chr17:58,709,863, G>C. VCF-style: chr17-58709863-G-C. GRCh37 (hg19) VCF-style: chr17-56787224-G-C.
Other names: short protein forms R237P.
Identifiers: ClinVar variation 482163 (VCV000482163.17), dbSNP rs370393672, ClinGen allele CA8677323.